The following is an entry in ClinVar:

ClinVar aggregate classification (germline): Uncertain significance. Review status: criteria provided, multiple submitters, no conflicts (2 of 4 stars). 5 submissions from 5 submitters: Uncertain significance (5). Last evaluated 2025-11-10.

Conditions:
Inborn genetic diseases. Identifiers: MedGen C0950123, MeSH D030342.
Hereditary cancer-predisposing syndrome. Also called: Neoplastic Syndromes, Hereditary; Hereditary neoplastic syndrome; Hereditary Cancer Syndrome; Tumor predisposition. Identifiers: Orphanet 140162, MedGen C0027672, MeSH D009386, MONDO:0015356.
Acute myeloid leukemia (AML). Also called: Leukemia, acute myeloid, somatic; Leukemia, acute myelogenous, somatic; Acute myeloid leukemia, adult; AML adult; Acute non-lymphocytic leukemia; Acute granulocytic leukemia. Identifiers: Orphanet 519, MedGen C0023467, MeSH D015470, MONDO:0018874, OMIM 601626, HP:0004808. Disease mechanism: Constitutively activated FLT3.

Allele frequency attached by ClinVar (database versions not stated): gnomAD 0.00001; TOPMed 0.00002.
gnomAD v4.1: 7 of 1,307,192 alleles (0.00054%); highest among the groups gnomAD compares: Admixed American, 0.0042%; no homozygotes.

Submissions (5):

Labcorp Genetics (formerly Invitae), Labcorp
Classification: Uncertain significance for Acute myeloid leukemia. Last evaluated: 2025-11-10. Review status: criteria provided, single submitter. Criteria: Invitae Variant Classification Sherloc (09022015). Collection method: clinical testing. Allele origin: germline.
Comment: This sequence change replaces proline, which is neutral and non-polar, with alanine, which is neutral and non-polar, at codon 14 of the CEBPA protein (p.Pro14Ala). This variant is not present in population databases (gnomAD no frequency). This variant has not been reported in the literature in individuals affected with CEBPA-related conditions. ClinVar contains an entry for this variant (Variation ID: 456684). Invitae Evidence Modeling of protein sequence and biophysical properties (such as structural, functional, and spatial information, amino acid conservation, physicochemical variation, residue mobility, and thermodynamic stability) indicates that this missense variant is not expected to disrupt CEBPA protein function with a negative predictive value of 80%. In summary, the available evidence is currently insufficient to determine the role of this variant in disease. Therefore, it has been classified as a Variant of Uncertain Significance.

Ambry Genetics
Classification: Uncertain significance for Inborn genetic diseases. Last evaluated: 2025-04-02. Review status: criteria provided, single submitter. Criteria: Ambry Variant Classification Scheme 2023. Collection method: clinical testing. Allele origin: germline.

GeneDx
Classification: Uncertain significance. Last evaluated: 2023-06-22. Review status: criteria provided, single submitter. Criteria: GeneDx Variant Classification Process June 2021. Collection method: clinical testing. Allele origin: germline. Affected: yes.
Comment: Not observed at significant frequency in large population cohorts (gnomAD); In silico analysis supports that this missense variant does not alter protein structure/function; Has not been previously published as pathogenic or benign to our knowledge

Sema4
Classification: Uncertain significance for Hereditary cancer-predisposing syndrome. Last evaluated: 2021-10-19. Review status: criteria provided, single submitter. Criteria: Sema4 Curation Guidelines. Collection method: curation. Allele origin: germline.
Comment: The CEBPA c.40C>G (p.P14A) variant has not been reported in the literature to our knowledge. It was not observed in the large and broad cohorts of the Genome Aggregation Database, but has been reported in ClinVar (Variation ID 456684). In silico tools suggest the impact of the variant on protein function is benign, though these predictions have not been confirmed by functional studies. The evidence is insufficient to meet ACMG/AMP criteria for classifying the variant as benign or pathogenic. Thus, the clinical significance of this variant is currently uncertain.

Revvity Omics, Revvity
Classification: Uncertain significance for Acute myeloid leukemia. Last evaluated: 2020-03-10. Review status: criteria provided, single submitter. Criteria: ACMG Guidelines, 2015. Collection method: clinical testing. Allele origin: germline.

NM_004364.5(CEBPA):c.40C>G (p.Pro14Ala)

Genes: CEBPA (CCAAT enhancer binding protein alpha; minus strand), LOC130064183 (ATAC-STARR-seq lymphoblastoid silent region 10495; plus strand). Cytogenetic location: 19q13.11.
Variant type: single nucleotide variant.
Coding change: c.40C>G on transcript NM_004364.5 (MANE Select); coding-DNA position 40, C replaced by G.
Protein change: p.Pro14Ala; replaces proline 14 with alanine.
Molecular consequence: missense variant. On other transcripts: 5 prime UTR variant (2).
Genome position (GRCh38, 1-based): chr19:33,302,375, G>C on the plus strand (C>G on the coding strand, the complement: CEBPA is on the minus strand). VCF-style: chr19-33302375-G-C. GRCh37 (hg19) VCF-style: chr19-33793281-G-C.
Other names: c.-318C>G (NM_001285829.2); c.145C>G, p.Pro49Ala (NM_001287424.2); c.-3C>G (NM_001287435.2); short protein forms P14A, P49A.
Identifiers: ClinVar variation 456684 (VCV000456684.16), dbSNP rs1379627026, ClinGen allele CA405275807.
Genomic context (GRCh38, chr19:33,302,375, plus strand): 5'-GAAAGCCGAAGGCGGCGCTGCTGGGCGCGTGCGGGGGGCTCTGCAGGTGGCTGCTCATCG[G>C]GGGCCGCGGCTCCGCCTCGTAGAAGTCGGCCGACTCCATGGGGGAGTTAGAGTTCTCCCG-3'
Protein context (NP_004355.2, residues 4-24): ADFYEAEPRP[Pro14Ala]MSSHLQSPPH